The following is an entry in ClinVar:

NM_000719.7(CACNA1C):c.2635G>A (p.Ala879Thr)

Gene: CACNA1C (calcium voltage-gated channel subunit alpha1 C; plus strand). Cytogenetic location: 12p13.33.
Variant type: single nucleotide variant.
Coding change: c.2635G>A on transcript NM_000719.7 (MANE Select); coding-DNA position 2635, G replaced by A.
Protein change: p.Ala879Thr; replaces alanine 879 with threonine.
Molecular consequence: missense variant.
Genome position (GRCh38, 1-based): chr12:2,593,317, G>A. VCF-style: chr12-2593317-G-A. GRCh37 (hg19) VCF-style: chr12-2702483-G-A.
Other names: c.2635G>A, p.Ala879Thr (NM_001129827.2, NM_001129829.2, NM_001129830.3 and 18 more transcripts); c.2626G>A, p.Ala876Thr (NM_001129844.2); short protein forms A879T, A876T.
Identifiers: ClinVar variation 581754 (VCV000581754.10), dbSNP rs1568641351, ClinGen allele CA383372282.
Genomic context (GRCh38, chr12:2,593,317, plus strand): 5'-CCACGACCACTCTCTGAGCTTCACCTTAAGGAAAAGGCAGTGCCCATGCCAGAAGCCAGC[G>A]CGTTTTTCATCTTCAGCTCTAACAACAGGTGTGCAGCAATGGTGGGGAAGGTGGGGTCCT-3'
Protein context (NP_000710.5, residues 869-889): EKAVPMPEAS[Ala879Thr]FFIFSSNNRF

ClinVar aggregate classification (germline): Uncertain significance. Review status: criteria provided, multiple submitters, no conflicts (2 of 4 stars). 2 submissions from 2 submitters: Uncertain significance (2). Last evaluated 2025-10-09.

Conditions:
Cardiovascular phenotype. Identifiers: MedGen CN230736.
Long QT syndrome (LQTS). Identifiers: MedGen C0023976, MeSH D008133, MONDO:0002442. Disease mechanism: loss of function. Inheritance: Various modes of inheritance.

Allele frequency attached by ClinVar (database versions not stated): gnomAD exomes below 0.00001.
gnomAD v4.1: 1 of 1,613,842 alleles (0.000062%); highest among the groups gnomAD compares: Non-Finnish European, 0.000085%; no homozygotes.

Submissions (2):

Ambry Genetics
Classification: Uncertain significance for Cardiovascular phenotype. Last evaluated: 2025-10-09. Review status: criteria provided, single submitter. Criteria: Ambry Variant Classification Scheme 2023. Collection method: clinical testing. Allele origin: germline.
Comment: The p.A879T variant (also known as c.2635G>A), located in coding exon 19 of the CACNA1C gene, results from a G to A substitution at nucleotide position 2635. The alanine at codon 879 is replaced by threonine, an amino acid with similar properties. This amino acid position is highly conserved in available vertebrate species. In addition, this alteration is predicted to be deleterious by in silico analysis. Based on the available evidence, the clinical significance of this variant remains unclear.

Labcorp Genetics (formerly Invitae), Labcorp
Classification: Uncertain significance for Long QT syndrome. Last evaluated: 2024-10-15. Review status: criteria provided, single submitter. Criteria: Invitae Variant Classification Sherloc (09022015). Collection method: clinical testing. Allele origin: germline.
Comment: This sequence change replaces alanine, which is neutral and non-polar, with threonine, which is neutral and polar, at codon 879 of the CACNA1C protein (p.Ala879Thr). This variant is not present in population databases (gnomAD no frequency). This variant has not been reported in the literature in individuals affected with CACNA1C-related conditions. ClinVar contains an entry for this variant (Variation ID: 581754). Invitae Evidence Modeling of protein sequence and biophysical properties (such as structural, functional, and spatial information, amino acid conservation, physicochemical variation, residue mobility, and thermodynamic stability) has been performed for this missense variant. However, the output from this modeling did not meet the statistical confidence thresholds required to predict the impact of this variant on CACNA1C protein function. In summary, the available evidence is currently insufficient to determine the role of this variant in disease. Therefore, it has been classified as a Variant of Uncertain Significance.